The following is an entry in ClinVar:

ClinVar aggregate classification (germline): Uncertain significance (1 of 4 stars; one submission).

Conditions:
Hereditary cancer-predisposing syndrome. Also called: Neoplastic Syndromes, Hereditary; Tumor predisposition; Hereditary Cancer Syndrome; Hereditary neoplastic syndrome. Identifiers: Orphanet 140162, MedGen C0027672, MeSH D009386, MONDO:0015356.

Submission:

Ambry Genetics
Classification: Uncertain significance for Hereditary cancer-predisposing syndrome. Last evaluated: 2026-01-06. Review status: criteria provided, single submitter. Criteria: Ambry Variant Classification Scheme 2023. Collection method: clinical testing. Allele origin: germline.
Comment: The p.H30Q variant (also known as c.90T>A), located in coding exon 2 of the SDHD gene, results from a T to A substitution at nucleotide position 90. The histidine at codon 30 is replaced by glutamine, an amino acid with highly similar properties. This amino acid position is conserved. In addition, the in silico prediction for this alteration is inconclusive. Based on the available evidence, the clinical significance of this variant remains unclear.

NM_003002.4(SDHD):c.90T>A (p.His30Gln)

Gene: SDHD (succinate dehydrogenase complex subunit D; plus strand). Cytogenetic location: 11q23.1.
Variant type: single nucleotide variant.
Coding change: c.90T>A on transcript NM_003002.4 (MANE Select); coding-DNA position 90, T replaced by A.
Protein change: p.His30Gln; replaces histidine 30 with glutamine.
Molecular consequence: missense variant. On other transcripts: non-coding transcript variant (1), intron variant (1).
Genome position (GRCh38, 1-based): chr11:112,087,894, T>A. VCF-style: chr11-112087894-T-A. GRCh37 (hg19) VCF-style: chr11-111958618-T-A.
Other names: c.90T>A, p.His30Gln (NM_001276503.2, NM_001276506.2); c.52+935T>A (NM_001276504.2); short protein forms H30Q.
Identifiers: ClinVar variation 4843590 (VCV004843590.1).
Genomic context (GRCh38, chr11:112,087,894, plus strand): 5'-CATCCTAATGACTCTTTCCTCAGCTCTGTTGCTTCGAACTCCAGTGGTCAGACCTGCTCA[T>A]ATCTCAGCATTTCTTCAGGACCGACCTATCCCAGAATGGTGTGGAGTGCAGCACATACAC-3'
Protein context (NP_002993.1, residues 20-40): LLRTPVVRPA[His30Gln]ISAFLQDRPI